The following is an entry in ClinVar:

NM_006767.4(LZTR1):c.594-2A>G

Gene: LZTR1 (leucine zipper like post translational regulator 1; plus strand). Cytogenetic location: 22q11.21.
Variant type: single nucleotide variant.
Coding change: c.594-2A>G on transcript NM_006767.4 (MANE Select); the canonical splice acceptor site of the intron before coding-DNA position 594, A replaced by G.
Molecular consequence: splice acceptor variant.
Genome position (GRCh38, 1-based): chr22:20,989,623, A>G. VCF-style: chr22-20989623-A-G. GRCh37 (hg19) VCF-style: chr22-21343912-A-G.
Other names: c.594-2A>G (NM_006767.3).
Identifiers: ClinVar variation 1191273 (VCV001191273.8), dbSNP rs1374011263, ClinGen allele CA410780262.

ClinVar aggregate classification (germline): Pathogenic/Likely pathogenic. Review status: criteria provided, multiple submitters, no conflicts (2 of 4 stars). 5 submissions from 5 submitters: Pathogenic (2); Likely pathogenic (3). Last evaluated 2026-01-27.

Conditions:
LZTR1-related disorder. Also called: LZTR1-related disorders; LZTR1-related condition.
Cardiovascular phenotype. Identifiers: MedGen CN230736.
Hereditary cancer-predisposing syndrome. Also called: Hereditary neoplastic syndrome; Hereditary Cancer Syndrome; Tumor predisposition; Neoplastic Syndromes, Hereditary. Identifiers: Orphanet 140162, MedGen C0027672, MeSH D009386, MONDO:0015356.
LZTR1-related schwannomatosis. Also called: Schwannomatosis 2; Schwannomatosis-2, susceptibility to. Identifiers: Orphanet 93921, MedGen C3810283, MONDO:0014299, OMIM 615670.

Allele frequency attached by ClinVar (database versions not stated): gnomAD exomes below 0.00001; TOPMed below 0.00001; gnomAD 0.00001.
gnomAD v4.1: 6 of 1,613,324 alleles (0.00037%); highest among the groups gnomAD compares: South Asian, 0.0011%; no homozygotes.

Submissions (5):

Labcorp Genetics (formerly Invitae), Labcorp
Classification: Likely pathogenic. Last evaluated: 2026-01-27. Review status: criteria provided, single submitter. Criteria: Invitae Variant Classification Sherloc (09022015). Collection method: clinical testing. Allele origin: germline.
Comment: This sequence change affects an acceptor splice site in intron 6 of the LZTR1 gene. It is expected to disrupt RNA splicing. Variants that disrupt the donor or acceptor splice site typically lead to a loss of protein function (PMID: 16199547), and loss-of-function variants in LZTR1 are known to be pathogenic (PMID: 24362817, 25335493, 25480913, 25795793, 29469822, 30368668, 30442762, 30442766, 30481304, 30859559). This variant is not present in population databases (gnomAD no frequency). This variant has not been reported in the literature in individuals affected with LZTR1-related conditions. ClinVar contains an entry for this variant (Variation ID: 1191273). Algorithms developed to predict the effect of sequence changes on RNA splicing suggest that this variant may disrupt the consensus splice site. In summary, the currently available evidence indicates that the variant is pathogenic, but additional data are needed to prove that conclusively. Therefore, this variant has been classified as Likely Pathogenic.

PreventionGenetics, part of Exact Sciences
Classification: Likely pathogenic for LZTR1-related condition. Last evaluated: 2025-12-08. Review status: criteria provided, single submitter. Criteria: ACMG Guidelines, 2015. Collection method: clinical testing. Allele origin: germline.
Comment: The LZTR1 c.594-2A>G variant is predicted to disrupt the AG splice acceptor site and interfere with normal splicing. To our knowledge, this variant has not been reported in the literature or in a large population database (gnomAD), indicating this variant is rare. Variants that disrupt the consensus splice acceptor site in LZTR1 are expected to be pathogenic. This variant is interpreted as likely pathogenic for autosomal recessive Noonan syndrome and autosomal dominant susceptibility to schwannomatosis. However, this variant is interpreted as uncertain for autosomal dominant Noonan syndrome.

GeneDx
Classification: Pathogenic. Last evaluated: 2025-09-18. Review status: criteria provided, single submitter. Criteria: GeneDx Variant Classification Process June 2021. Collection method: clinical testing. Allele origin: germline. Affected: yes.
Comment: Canonical splice site variant predicted to result in a null allele in a gene for which loss of function is a known mechanism of disease; Not observed at significant frequency in large population cohorts (gnomAD); Has not been previously published as pathogenic or benign to our knowledge

Ambry Genetics
Classification: Pathogenic for Cardiovascular phenotype; Hereditary cancer-predisposing syndrome. Last evaluated: 2024-11-22. Review status: criteria provided, single submitter. Criteria: Ambry Variant Classification Scheme 2023. Collection method: clinical testing. Allele origin: germline.
Comment: The c.594-2A>G intronic variant results from an A to G substitution two nucleotides upstream from coding exon 7 in the LZTR1 gene. This variant is considered to be rare based on population cohorts in the Genome Aggregation Database (gnomAD). This nucleotide position is highly conserved in available vertebrate species. In silico splice site analysis predicts that this alteration will weaken the native splice acceptor site. RNA studies have demonstrated that this alteration results in abnormal splicing in the set of samples tested (Ambry internal data). Another variant impacting the same acceptor site (c.594-3C>G) has been shown to have a similar impact on splicing in an individual with features consistent with LZTR1-related schwannomatosis (Piotrowski A et al. Nat Genet, 2014 Feb;46:182-7; Ambry internal data). Loss-of-function variants in LZTR1 are related to an increased risk for schwannomas and autosomal recessive Noonan syndrome; however, such associations with autosomal dominant Noonan syndrome have not been observed (Piotrowski A et al. Nat Genet. 2014 Feb;46:182-7; Yamamoto GL et al. J Med Genet. 2015 Jun;52:413-21; Johnston JJ et al. Genet Med. 2018 10;20:1175-1185). Based on the supporting evidence, this variant is pathogenic for an increased risk of LZTR1-related schwannomatosis (SWN) and would be expected to cause autosomal recessive Noonan syndrome when present along with a second pathogenic or likely pathogenic variant on the other allele; however, the association of this alteration with autosomal dominant Noonan syndrome is unlikely.

Baylor Genetics
Classification: Likely pathogenic for LZTR1-related schwannomatosis. Last evaluated: 2023-10-24. Review status: criteria provided, single submitter. Criteria: ACMG Guidelines, 2015. Collection method: clinical testing. Allele origin: unknown.

Literature cited by the submitters: PubMed 16199547 (cited by Labcorp Genetics (formerly Invitae), Labcorp); PubMed 24362817 (cited by Labcorp Genetics (formerly Invitae), Labcorp); PubMed 25335493 (cited by Labcorp Genetics (formerly Invitae), Labcorp); PubMed 25480913 (cited by Labcorp Genetics (formerly Invitae), Labcorp); PubMed 25795793 (cited by Labcorp Genetics (formerly Invitae), Labcorp); PubMed 29469822 (cited by Labcorp Genetics (formerly Invitae), Labcorp); PubMed 30368668 (cited by Labcorp Genetics (formerly Invitae), Labcorp); PubMed 30442762 (cited by Labcorp Genetics (formerly Invitae), Labcorp); PubMed 30442766 (cited by Labcorp Genetics (formerly Invitae), Labcorp); PubMed 30481304 (cited by Labcorp Genetics (formerly Invitae), Labcorp); PubMed 30859559 (cited by Labcorp Genetics (formerly Invitae), Labcorp).